The following is an entry in ClinVar:

ClinVar aggregate classification (germline): Uncertain significance (1 of 4 stars; one submission).

Allele frequency attached by ClinVar (database versions not stated): gnomAD 0.00001; ExAC 0.00002.
gnomAD v4.1: 19 of 1,613,074 alleles (0.0012%); highest among the groups gnomAD compares: South Asian, 0.0088%; no homozygotes.

Submission:

Labcorp Genetics (formerly Invitae), Labcorp
Classification: Uncertain significance. Last evaluated: 2022-02-06. Review status: criteria provided, single submitter. Criteria: Invitae Variant Classification Sherloc (09022015). Collection method: clinical testing. Allele origin: germline.
Comment: In summary, the available evidence is currently insufficient to determine the role of this variant in disease. Therefore, it has been classified as a Variant of Uncertain Significance. Experimental studies and prediction algorithms are not available or were not evaluated, and the functional significance of this variant is currently unknown. This variant has not been reported in the literature in individuals affected with MAP3K20-related conditions. This variant is present in population databases (rs759941594, gnomAD 0.003%). This sequence change replaces isoleucine, which is neutral and non-polar, with valine, which is neutral and non-polar, at codon 412 of the MAP3K20 protein (p.Ile412Val).

NM_016653.3(MAP3K20):c.1234A>G (p.Ile412Val)

Genes: MAP3K20 (mitogen-activated protein kinase kinase kinase 20; plus strand), MAP3K20-AS1 (MAP3K20 antisense RNA 1; minus strand). Cytogenetic location: 2q31.1.
Variant type: single nucleotide variant.
Coding change: c.1234A>G on transcript NM_016653.3 (MANE Select); coding-DNA position 1234, A replaced by G.
Protein change: p.Ile412Val; replaces isoleucine 412 with valine.
Molecular consequence: missense variant.
Genome position (GRCh38, 1-based): chr2:173,238,403, A>G. VCF-style: chr2-173238403-A-G. GRCh37 (hg19) VCF-style: chr2-174103131-A-G.
Other names: short protein forms I412V.
Identifiers: ClinVar variation 1928685 (VCV001928685.5), dbSNP rs759941594, ClinGen allele CA1970775.